The following is an entry in ClinVar:

ClinVar aggregate classification (germline): Uncertain significance (1 of 4 stars; one submission).

Conditions:
Dyskeratosis congenita. Identifiers: Orphanet 1775, MedGen C0265965, MONDO:0015780.

Submission:

Labcorp Genetics (formerly Invitae), Labcorp
Classification: Uncertain significance for Dyskeratosis congenita. Last evaluated: 2024-08-06. Review status: criteria provided, single submitter. Criteria: Invitae Variant Classification Sherloc (09022015). Collection method: clinical testing. Allele origin: germline.
Comment: This sequence change creates a premature translational stop signal (p.Lys504Glufs*11) in the DKC1 gene. While this is not anticipated to result in nonsense mediated decay, it is expected to disrupt the last 11 amino acid(s) of the DKC1 protein. This variant is not present in population databases (gnomAD no frequency). This variant has not been reported in the literature in individuals affected with DKC1-related conditions. In summary, the available evidence is currently insufficient to determine the role of this variant in disease. Therefore, it has been classified as a Variant of Uncertain Significance.

NM_001363.5(DKC1):c.1508dup (p.Lys504fs)

Gene: DKC1 (dyskerin pseudouridine synthase 1; plus strand). Cytogenetic location: Xq28.
Variant type: Duplication.
Coding change: c.1508dup on transcript NM_001363.5 (MANE Select); coding-DNA position 1508, one base duplicated (A; older notation c.1508dupA).
Protein change: p.Lys504fs; shifts the reading frame from lysine 504.
Molecular consequence: frameshift variant. On other transcripts: 3 prime UTR variant (1), non-coding transcript variant (3).
Genome position (GRCh38, 1-based): chrX:154,776,830, A duplicated; the last of 2 consecutive A bases (chrX:154,776,829-154,776,830); duplicating either gives the same sequence. VCF-style (leftmost placement, unchanged base first): chrX-154776828-G-GA. GRCh37 (hg19) VCF-style: chrX-154005103-G-GA.
Other names: c.1493dup, p.Lys499fs (NM_001142463.3); c.*734dup (NM_001288747.2); short protein forms K499fs, K504fs.
Identifiers: ClinVar variation 3626002 (VCV003626002.2).